The following is an entry in ClinVar:

NM_000276.4(OCRL):c.1265A>G (p.Asp422Gly)

Gene: OCRL (OCRL inositol polyphosphate-5-phosphatase; plus strand). Cytogenetic location: Xq26.1.
Variant type: single nucleotide variant.
Coding change: c.1265A>G on transcript NM_000276.4 (MANE Select); coding-DNA position 1265, A replaced by G.
Protein change: p.Asp422Gly; replaces aspartic acid 422 with glycine.
Molecular consequence: missense variant.
Genome position (GRCh38, 1-based): chrX:129,565,792, A>G. VCF-style: chrX-129565792-A-G. GRCh37 (hg19) VCF-style: chrX-128699769-A-G.
Other names: c.1268A>G, p.Asp423Gly (NM_001318784.2); c.1265A>G, p.Asp422Gly (NM_001587.4); short protein forms D422G, D423G.
Identifiers: ClinVar variation 3359899 (VCV003359899.1).

ClinVar aggregate classification (germline): Uncertain significance (1 of 4 stars; one submission).

Submission:

GeneDx
Classification: Uncertain significance. Last evaluated: 2023-06-16. Review status: criteria provided, single submitter. Criteria: GeneDx Variant Classification Process June 2021. Collection method: clinical testing. Allele origin: germline. Affected: yes.
Comment: Not observed at significant frequency in large population cohorts (gnomAD); In silico analysis supports that this missense variant has a deleterious effect on protein structure/function; Has not been previously published as pathogenic or benign to our knowledge